The following is an entry in ClinVar:

ClinVar aggregate classification (germline): Conflicting classifications of pathogenicity. Review status: criteria provided, conflicting classifications (1 of 4 stars). 6 submissions from 6 submitters: Likely pathogenic (3); Uncertain significance (1). 2 of the submissions do not count toward it. Last evaluated 2025-07-01.

Conditions:
Finnish congenital nephrotic syndrome (NPHS1). Also called: NEPHROTIC SYNDROME, TYPE 1. Identifiers: Orphanet 839, MedGen C0403399, MONDO:0009732, OMIM 256300.

Allele frequency attached by ClinVar (database versions not stated): gnomAD exomes below 0.00001; ExAC 0.00001.

Submissions (6):

GeneDx
Classification: Likely pathogenic. Last evaluated: 2025-07-01. Review status: criteria provided, single submitter. Criteria: GeneDx Variant Classification Process June 2021. Collection method: clinical testing. Allele origin: germline. Affected: yes.
Comment: Not observed at significant frequency in large population cohorts (gnomAD); In silico analysis supports that this missense variant has a deleterious effect on protein structure/function; This variant is associated with the following publications: (PMID: 11854170, 26560236, 39698360, 20507940)

Laboratorio de Genetica e Diagnostico Molecular, Hospital Israelita Albert Einstein
Classification: Likely pathogenic for Finnish congenital nephrotic syndrome. Last evaluated: 2024-07-23. Review status: criteria provided, single submitter. Criteria: ACMG Guidelines, 2015. Collection method: clinical testing. Allele origin: germline. Affected: yes.
Comment: ACMG classification criteria: PM2 supporting, PM3 strong, PP3 supporting

Labcorp Genetics (formerly Invitae), Labcorp
Classification: Uncertain significance. Last evaluated: 2022-08-30. Review status: criteria provided, single submitter. Criteria: Invitae Variant Classification Sherloc (09022015). Collection method: clinical testing. Allele origin: germline.
Comment: This sequence change replaces isoleucine, which is neutral and non-polar, with asparagine, which is neutral and polar, at codon 446 of the NPHS1 protein (p.Ile446Asn). This variant is present in population databases (rs386833879, gnomAD 0.003%). This missense change has been observed in individual(s) with nephrotic syndrome (PMID: 11854170, 20507940, 26560236). ClinVar contains an entry for this variant (Variation ID: 56437). Advanced modeling of protein sequence and biophysical properties (such as structural, functional, and spatial information, amino acid conservation, physicochemical variation, residue mobility, and thermodynamic stability) performed at Invitae indicates that this missense variant is expected to disrupt NPHS1 protein function. In summary, the available evidence is currently insufficient to determine the role of this variant in disease. Therefore, it has been classified as a Variant of Uncertain Significance.

Vasylyeva lab, Texas Tech University Health Sciences Center
Classification: Likely pathogenic for Finnish congenital nephrotic syndrome. Last evaluated: 2016-01-24. Review status: criteria provided, single submitter. Criteria: ACMG Guidelines, 2015. Collection method: clinical testing. Allele origin: unknown. Affected: yes.

Counsyl
Classification: Likely pathogenic for Finnish congenital nephrotic syndrome. Last evaluated: 2016-01-24. Review status: no assertion criteria provided. Collection method: clinical testing. Allele origin: unknown. Not counted in ClinVar's aggregate classification.

Juha Muilu Group; Institute for Molecular Medicine Finland (FIMM)
Classification: Likely pathogenic for Finnish congenital nephrotic syndrome. Review status: no assertion criteria provided. Collection method: not provided. Allele origin: unknown. Not counted in ClinVar's aggregate classification.
Comment: FinDis database variant: This variant was not found or characterized by our laboratory, data were collected from public sources: see reference
ClinVar note: Converted during submission from probable-pathogenic to Likely pathogenic.

Literature cited by the submitters: PubMed 11854170 (cited by 3 submitters); PubMed 20507940 (cited by 3 submitters); PubMed 26560236 (cited by 3 submitters).

NM_004646.4(NPHS1):c.1337T>A (p.Ile446Asn)

Gene: NPHS1 (NPHS1 adhesion molecule, nephrin; minus strand). Cytogenetic location: 19q13.12.
Variant type: single nucleotide variant.
Coding change: c.1337T>A on transcript NM_004646.4 (MANE Select); coding-DNA position 1337, T replaced by A.
Protein change: p.Ile446Asn; replaces isoleucine 446 with asparagine.
Molecular consequence: missense variant.
Genome position (GRCh38, 1-based): chr19:35,848,144, A>T on the plus strand (T>A on the coding strand, the complement: NPHS1 is on the minus strand). VCF-style: chr19-35848144-A-T. GRCh37 (hg19) VCF-style: chr19-36339046-A-T.
Other names: short protein forms I446N.
Identifiers: ClinVar variation 56437 (VCV000056437.10), dbSNP rs386833879, ClinGen allele CA250116.